The following is an entry in ClinVar:

NM_003041.4(SLC5A2):c.1130G>A (p.Gly377Asp)

Gene: SLC5A2 (solute carrier family 5 member 2; plus strand). Cytogenetic location: 16p11.2.
Variant type: single nucleotide variant.
Coding change: c.1130G>A on transcript NM_003041.4 (MANE Select); coding-DNA position 1130, G replaced by A.
Protein change: p.Gly377Asp; replaces glycine 377 with aspartic acid.
Molecular consequence: missense variant.
Genome position (GRCh38, 1-based): chr16:31,488,622, G>A. VCF-style: chr16-31488622-G-A. GRCh37 (hg19) VCF-style: chr16-31499943-G-A.
Other names: short protein forms G377D.
Identifiers: ClinVar variation 5029657 (VCV005029657.2).

ClinVar aggregate classification (germline): Conflicting classifications of pathogenicity. Review status: criteria provided, conflicting classifications (1 of 4 stars). 2 submissions from 2 submitters: Likely pathogenic (1); Uncertain significance (1). Last evaluated 2026-08-17.

Conditions:
Inborn genetic diseases. Identifiers: MedGen C0950123, MeSH D030342.
Familial renal glucosuria (GLYS). Also called: RENAL GLUCOSURIA, AUTOSOMAL DOMINANT; Familial renal glycosuria. Identifiers: Orphanet 69076, MedGen C3245525, MONDO:0009297, OMIM 233100.

gnomAD v4.1: 6 of 1,610,718 alleles (0.00037%); highest among the groups gnomAD compares: South Asian, 0.0011%; no homozygotes.

Submissions (2):

Ambry Genetics
Classification: Uncertain significance for Inborn genetic diseases. Last evaluated: 2026-08-17. Review status: criteria provided, single submitter. Criteria: Ambry Variant Classification Scheme 2023. Collection method: clinical testing. Allele origin: germline.
Comment: The c.1130G>A (p.G377D) alteration is located in exon 10 (coding exon 10) of the SLC5A2 gene. This alteration results from a G to A substitution at nucleotide position 1130, causing the glycine (G) at amino acid position 377 to be replaced by an aspartic acid (D). Based on data from gnomAD, the A allele has an overall frequency of <0.001% (1/238376) total alleles studied. The highest observed frequency was 0.003% (1/30384) of South Asian alleles. Based on insufficient or conflicting evidence, the clinical significance of this alteration remains unclear.

MVZ Medizinische Genetik Mainz
Classification: Likely pathogenic for Familial renal glucosuria. Last evaluated: 2023-04-24. Review status: criteria provided, single submitter. Criteria: UK Practice Guidelines For Variant Classification V4 01 2020. Collection method: clinical testing. Allele origin: germline. Inheritance: Autosomal recessive inheritance. Affected: yes. Observed: 1 variant allele.
Comment: ACMG Criteria: PP3_STR,PM5,PM2_SUP,PP4; Compound Heterozygote